The following is an entry in ClinVar:

ClinVar aggregate classification (germline): Uncertain significance (1 of 4 stars; one submission).

Submission:

Ambry Genetics
Classification: Uncertain significance. Last evaluated: 2023-05-19. Review status: criteria provided, single submitter. Criteria: Ambry Variant Classification Scheme 2023. Collection method: clinical testing. Allele origin: germline.
Comment: The p.A516V variant (also known as c.1547C>T), located in coding exon 8 of the PALLD gene, results from a C to T substitution at nucleotide position 1547. The alanine at codon 516 is replaced by valine, an amino acid with similar properties. This amino acid position is conserved. In addition, this alteration is predicted to be tolerated by in silico analysis. Since supporting evidence is limited at this time, the clinical significance of this alteration remains unclear.

NM_001166108.2(PALLD):c.1547C>T (p.Ala516Val)

Gene: PALLD (palladin, cytoskeletal associated protein; plus strand). Cytogenetic location: 4q32.3.
Variant type: single nucleotide variant.
Coding change: c.1547C>T on transcript NM_001166108.2 (MANE Select); coding-DNA position 1547, C replaced by T.
Protein change: p.Ala516Val; replaces alanine 516 with valine.
Molecular consequence: missense variant.
Genome position (GRCh38, 1-based): chr4:168,709,073, C>T. VCF-style: chr4-168709073-C-T. GRCh37 (hg19) VCF-style: chr4-169630224-C-T.
Other names: c.401C>T, p.Ala134Val (NM_001166109.2); c.1547C>T, p.Ala516Val (NM_016081.4); short protein forms A516V, A134V.
Identifiers: ClinVar variation 2561633 (VCV002561633.2), dbSNP rs2531818634, ClinGen allele CA358797453.